The following is an entry in ClinVar:

NM_000352.6(ABCC8):c.3867+1G>A

Gene: ABCC8 (ATP binding cassette subfamily C member 8; minus strand). Cytogenetic location: 11p15.1.
Variant type: single nucleotide variant.
Coding change: c.3867+1G>A on transcript NM_000352.6 (MANE Select); the canonical splice donor site of the intron after coding-DNA position 3867, G replaced by A.
Molecular consequence: splice donor variant.
Genome position (GRCh38, 1-based): chr11:17,397,683, C>T on the plus strand (G>A on the coding strand, the complement: ABCC8 is on the minus strand). VCF-style: chr11-17397683-C-T. GRCh37 (hg19) VCF-style: chr11-17419230-C-T.
Other names: c.3864+1G>A (NM_001351297.2); c.3867+1G>A (NM_001351296.2); c.3933+1G>A (NM_001351295.2); c.3870+1G>A (NM_001287174.3).
Identifiers: ClinVar variation 2860219 (VCV002860219.4), dbSNP rs2496469312, ClinGen allele CA379792969.

ClinVar aggregate classification (germline): Likely pathogenic. Review status: criteria provided, multiple submitters, no conflicts (2 of 4 stars). 2 submissions from 2 submitters: Likely pathogenic (2). Last evaluated 2024-02-27.

Conditions:
Leucine-induced hypoglycemia (LIH). Also called: LEUCINE-SENSITIVE HYPOGLYCEMIA OF INFANCY. Identifiers: MedGen C0271714, MONDO:0009415, OMIM 240800.
Hyperinsulinemic hypoglycemia, familial, 1 (HHF1). Also called: Persistent hyperinsulinemic hypoglycemia of infancy; HYPERINSULINISM, FAMILIAL, WITH PANCREATIC NESIDIOBLASTOSIS; HYPOGLYCEMIA, HYPERINSULINEMIC, OF INFANCY; NESIDIOBLASTOSIS OF PANCREAS; Persistent Hyperinsulinemia Hypoglycemia of Infancy. Identifiers: Orphanet 276575, Orphanet 276598, MedGen C2931832, MONDO:0009734, OMIM 256450.
Diabetes mellitus, permanent neonatal 3. Also called: ABCC8-Related Permanent Neonatal Diabetes Mellitus. Identifiers: MedGen C5394303, MONDO:0030088, OMIM 618857.
Diabetes mellitus, transient neonatal, 2 (TNDM2). Identifiers: Orphanet 99886, MedGen C1835887, MONDO:0012480, OMIM 610374. Disease mechanism: loss of function.
Type 2 diabetes mellitus. Also called: Type II diabetes mellitus. Identifiers: MedGen C0011860, MeSH D003924, MONDO:0005148, OMIM 125853, HP:0005978.

Allele frequency attached by ClinVar (database versions not stated): gnomAD exomes below 0.00001.
gnomAD v4.1: 1 of 1,612,074 alleles (0.000062%); highest among the groups gnomAD compares: Non-Finnish European, 0.000085%; no homozygotes.

Submissions (2):

Fulgent Genetics
Classification: Likely pathogenic for Type 2 diabetes mellitus; Leucine-induced hypoglycemia; Hyperinsulinemic hypoglycemia, familial, 1; Diabetes mellitus, transient neonatal, 2; Diabetes mellitus, permanent neonatal 3. Last evaluated: 2024-02-27. Review status: criteria provided, single submitter. Criteria: ACMG Guidelines, 2015. Collection method: clinical testing. Allele origin: germline.

Labcorp Genetics (formerly Invitae), Labcorp
Classification: Likely pathogenic. Last evaluated: 2023-04-28. Review status: criteria provided, single submitter. Criteria: Invitae Variant Classification Sherloc (09022015). Collection method: clinical testing. Allele origin: germline.
Comment: In summary, the currently available evidence indicates that the variant is pathogenic, but additional data are needed to prove that conclusively. Therefore, this variant has been classified as Likely Pathogenic. Algorithms developed to predict the effect of sequence changes on RNA splicing suggest that this variant may disrupt the consensus splice site. This variant has not been reported in the literature in individuals affected with ABCC8-related conditions. This variant is not present in population databases (gnomAD no frequency). This sequence change affects a donor splice site in intron 31 of the ABCC8 gene. It is expected to disrupt RNA splicing. Variants that disrupt the donor or acceptor splice site typically lead to a loss of protein function (PMID: 16199547), and loss-of-function variants in ABCC8 are known to be pathogenic (PMID: 20685672, 23345197).

Literature cited by the submitters: PubMed 16199547 (cited by Labcorp Genetics (formerly Invitae), Labcorp); PubMed 20685672 (cited by Labcorp Genetics (formerly Invitae), Labcorp); PubMed 23345197 (cited by Labcorp Genetics (formerly Invitae), Labcorp).